The following is an entry in ClinVar:

ClinVar aggregate classification (germline): Uncertain significance. Review status: criteria provided, multiple submitters, no conflicts (2 of 4 stars). 2 submissions from 2 submitters: Uncertain significance (2). Last evaluated 2025-08-08.

Conditions:
Loeys-Dietz syndrome 2 (LDS2). Also called: TGFBR2-Related Loeys-Dietz Syndrome; Marfan Syndrome type 2; Marfan like connective tissue disorder; MFS 2; Marfan syndrome, type 2 (formerly); AORTIC ANEURYSM, FAMILIAL THORACIC 3. Identifiers: Orphanet 284973, Orphanet 558, MedGen C2674574, MONDO:0012427, OMIM 610168.

Submissions (2):

Ambry Genetics
Classification: Uncertain significance. Last evaluated: 2025-08-08. Review status: criteria provided, single submitter. Criteria: Ambry Variant Classification Scheme 2023. Collection method: clinical testing. Allele origin: germline.

Labcorp Genetics (formerly Invitae), Labcorp
Classification: Uncertain significance for Loeys-Dietz syndrome 2. Last evaluated: 2025-04-24. Review status: criteria provided, single submitter. Criteria: Invitae Variant Classification Sherloc (09022015). Collection method: clinical testing. Allele origin: germline.
Comment: This sequence change replaces serine, which is neutral and polar, with glycine, which is neutral and non-polar, at codon 619 of the TMPO protein (p.Ser619Gly). This variant is not present in population databases (gnomAD no frequency). This variant has not been reported in the literature in individuals affected with TMPO-related conditions. Invitae Evidence Modeling of protein sequence and biophysical properties (such as structural, functional, and spatial information, amino acid conservation, physicochemical variation, residue mobility, and thermodynamic stability) indicates that this missense variant is not expected to disrupt TMPO protein function with a negative predictive value of 80%. In summary, the available evidence is currently insufficient to determine the role of this variant in disease. Therefore, it has been classified as a Variant of Uncertain Significance.

NM_001032283.3(TMPO):c.565+2274A>G

Gene: TMPO (thymopoietin; plus strand). Cytogenetic location: 12q23.1.
Variant type: single nucleotide variant.
Coding change: c.565+2274A>G on transcript NM_001032283.3 (MANE Select); 2274 bases into the intron after coding-DNA position 565, A replaced by G.
Molecular consequence: intron variant. On other transcripts: missense variant (1).
Genome position (GRCh38, 1-based): chr12:98,534,112, A>G. VCF-style: chr12-98534112-A-G. GRCh37 (hg19) VCF-style: chr12-98927890-A-G.
Other names: c.1855A>G, p.Ser619Gly (NM_003276.2); c.565+2274A>G (NM_001307975.2, NM_001032284.3); short protein forms S619G.
Identifiers: ClinVar variation 3970994 (VCV003970994.3).